The following is an entry in ClinVar:

NM_152906.7(TANGO2):c.126C>G (p.Asn42Lys)

Gene: TANGO2 (transport and golgi organization 2 homolog; plus strand). Cytogenetic location: 22q11.21.
Variant type: single nucleotide variant.
Coding change: c.126C>G on transcript NM_152906.7 (MANE Select); coding-DNA position 126, C replaced by G.
Protein change: p.Asn42Lys; replaces asparagine 42 with lysine.
Molecular consequence: missense variant. On other transcripts: 5 prime UTR variant (12), non-coding transcript variant (5).
Genome position (GRCh38, 1-based): chr22:20,043,424, C>G. VCF-style: chr22-20043424-C-G. GRCh37 (hg19) VCF-style: chr22-20030947-C-G.
Other names: c.126C>G, p.Asn42Lys (NM_001283116.3, NM_001283148.3, NM_001283154.3 and 10 more transcripts); c.249C>G, p.Asn83Lys (NM_001283129.3, NM_001283215.3, NM_001322141.2 and 5 more transcripts); c.-54C>G (NM_001283235.3, NM_001322146.2, NM_001322148.2 and 9 more transcripts); short protein forms N83K, N42K.
Identifiers: ClinVar variation 3701709 (VCV003701709.1).

ClinVar aggregate classification (germline): Uncertain significance (1 of 4 stars; one submission).

Submission:

Labcorp Genetics (formerly Invitae), Labcorp
Classification: Uncertain significance. Last evaluated: 2024-03-13. Review status: criteria provided, single submitter. Criteria: Invitae Variant Classification Sherloc (09022015). Collection method: clinical testing. Allele origin: germline.
Comment: This sequence change replaces asparagine, which is neutral and polar, with lysine, which is basic and polar, at codon 42 of the TANGO2 protein (p.Asn42Lys). This variant is present in population databases (rs773756105, gnomAD 0.01%). This variant has not been reported in the literature in individuals affected with TANGO2-related conditions. An algorithm developed to predict the effect of missense changes on protein structure and function (PolyPhen-2) suggests that this variant¬†is likely to be tolerated. In summary, the available evidence is currently insufficient to determine the role of this variant in disease. Therefore, it has been classified as a Variant of Uncertain Significance.